The following is an entry in ClinVar:

ClinVar aggregate classification (germline): Uncertain significance (1 of 4 stars; one submission).

Conditions:
Familial cancer of breast. Also called: Hereditary breast cancer; BREAST CANCER, FAMILIAL; hereditary breast carcinoma. Identifiers: Orphanet 227535, MedGen C0346153, MONDO:0016419, OMIM 114480. Disease mechanism: loss of function.

Submission:

Labcorp Genetics (formerly Invitae), Labcorp
Classification: Uncertain significance for Familial cancer of breast. Last evaluated: 2025-01-08. Review status: criteria provided, single submitter. Criteria: Invitae Variant Classification Sherloc (09022015). Collection method: clinical testing. Allele origin: germline.
Comment: This sequence change replaces methionine, which is neutral and non-polar, with threonine, which is neutral and polar, at codon 414 of the BARD1 protein (p.Met414Thr). This variant is not present in population databases (gnomAD no frequency). This variant has not been reported in the literature in individuals affected with BARD1-related conditions. An algorithm developed to predict the effect of missense changes on protein structure and function outputs the following: PolyPhen-2: "Benign". The threonine amino acid residue is found in multiple mammalian species, which suggests that this missense change does not adversely affect protein function. In summary, the available evidence is currently insufficient to determine the role of this variant in disease. Therefore, it has been classified as a Variant of Uncertain Significance.

NM_000465.4(BARD1):c.1241T>C (p.Met414Thr)

Gene: BARD1 (BRCA1 associated RING domain 1; minus strand). Cytogenetic location: 2q35.
Variant type: single nucleotide variant.
Coding change: c.1241T>C on transcript NM_000465.4 (MANE Select); coding-DNA position 1241, T replaced by C.
Protein change: p.Met414Thr; replaces methionine 414 with threonine.
Molecular consequence: missense variant. On other transcripts: non-coding transcript variant (2), intron variant (3).
Genome position (GRCh38, 1-based): chr2:214,780,633, A>G on the plus strand (T>C on the coding strand, the complement: BARD1 is on the minus strand). VCF-style: chr2-214780633-A-G. GRCh37 (hg19) VCF-style: chr2-215645357-A-G.
Other names: c.1184T>C, p.Met395Thr (NM_001282543.2); c.159-28078T>C (NM_001282548.2); c.215+16428T>C (NM_001282545.2); c.364+11664T>C (NM_001282549.2); short protein forms M414T, M395T.
Identifiers: ClinVar variation 3728671 (VCV003728671.2).